The following is an entry in ClinVar:

NM_020975.6(RET):c.2999A>G (p.Asp1000Gly)

Gene: RET (ret proto-oncogene; plus strand). Cytogenetic location: 10q11.21.
Variant type: single nucleotide variant.
Coding change: c.2999A>G on transcript NM_020975.6 (MANE Select); coding-DNA position 2999, A replaced by G.
Protein change: p.Asp1000Gly; replaces aspartic acid 1000 with glycine.
Molecular consequence: missense variant.
Genome position (GRCh38, 1-based): chr10:43,124,942, A>G. VCF-style: chr10-43124942-A-G. GRCh37 (hg19) VCF-style: chr10-43620390-A-G.
Other names: c.2999A>G, p.Asp1000Gly (NM_000323.2, NM_001406743.1, NM_001406744.1 and 4 more transcripts); c.2237A>G, p.Asp746Gly (NM_001355216.2); c.2870A>G, p.Asp957Gly (NM_001406761.1, NM_001406762.1, NM_001406764.1); c.2864A>G, p.Asp955Gly (NM_001406763.1, NM_001406765.1); c.2711A>G, p.Asp904Gly (NM_001406766.1, NM_001406767.1, NM_001406770.1); c.2735A>G, p.Asp912Gly (NM_001406768.1); c.2603A>G, p.Asp868Gly (NM_001406769.1, NM_001406772.1); c.2561A>G, p.Asp854Gly (NM_001406771.1, NM_001406773.1); and 10 more; short protein forms D1000G, D517G, D565G, D605G, D656G, D658G, D661G, D670G.
Identifiers: ClinVar variation 1719396 (VCV001719396.6), dbSNP rs2538627200, ClinGen allele CA376558158.
Genomic context (GRCh38, chr10:43,124,942, plus strand): 5'-GGTACCGCCTGATGCTGCAATGCTGGAAGCAGGAGCCGGACAAAAGGCCGGTGTTTGCGG[A>G]CATCAGCAAAGACCTGGAGAAGATGATGGTTAAGAGGAGAGTGAGTGCCTGGGTCCAATT-3'
Protein context (NP_066124.1, residues 990-1010): QEPDKRPVFA[Asp1000Gly]ISKDLEKMMV

ClinVar aggregate classification (germline): Uncertain significance. Review status: criteria provided, multiple submitters, no conflicts (2 of 4 stars). 2 submissions from 2 submitters: Uncertain significance (2). Last evaluated 2024-03-21.

Conditions:
Hereditary cancer-predisposing syndrome. Also called: Hereditary neoplastic syndrome; Neoplastic Syndromes, Hereditary; Hereditary Cancer Syndrome; Tumor predisposition. Identifiers: Orphanet 140162, MedGen C0027672, MeSH D009386, MONDO:0015356.
Multiple endocrine neoplasia, type 2 (MEN2). Identifiers: Orphanet 653, MedGen C4048306, MONDO:0019003. Disease mechanism: gain of function.

Submissions (2):

Ambry Genetics
Classification: Uncertain significance for Hereditary cancer-predisposing syndrome. Last evaluated: 2024-03-21. Review status: criteria provided, single submitter. Criteria: Ambry Variant Classification Scheme 2023. Collection method: clinical testing. Allele origin: germline.
Comment: The p.D1000G variant (also known as c.2999A>G), located in coding exon 18 of the RET gene, results from an A to G substitution at nucleotide position 2999. The aspartic acid at codon 1000 is replaced by glycine, an amino acid with similar properties. This amino acid position is conserved. In addition, the in silico prediction for this alteration is inconclusive. Based on the available evidence, the clinical significance of this alteration remains unclear.

Labcorp Genetics (formerly Invitae), Labcorp
Classification: Uncertain significance for Multiple endocrine neoplasia, type 2. Last evaluated: 2023-10-04. Review status: criteria provided, single submitter. Criteria: Invitae Variant Classification Sherloc (09022015). Collection method: clinical testing. Allele origin: germline.
Comment: This sequence change replaces aspartic acid, which is acidic and polar, with glycine, which is neutral and non-polar, at codon 1000 of the RET protein (p.Asp1000Gly). This variant is not present in population databases (gnomAD no frequency). This variant has not been reported in the literature in individuals affected with RET-related conditions. ClinVar contains an entry for this variant (Variation ID: 1719396). An algorithm developed to predict the effect of missense changes on protein structure and function (PolyPhen-2) suggests that this variant is likely to be disruptive. In summary, the available evidence is currently insufficient to determine the role of this variant in disease. Therefore, it has been classified as a Variant of Uncertain Significance.